The following is an entry in ClinVar:

NM_032043.3(BRIP1):c.3715T>A (p.Ser1239Thr)

Gene: BRIP1 (BRCA1 interacting DNA helicase 1; minus strand). Cytogenetic location: 17q23.2.
Variant type: single nucleotide variant.
Coding change: c.3715T>A on transcript NM_032043.3 (MANE Select); coding-DNA position 3715, T replaced by A.
Protein change: p.Ser1239Thr; replaces serine 1239 with threonine.
Molecular consequence: missense variant.
Genome position (GRCh38, 1-based): chr17:61,683,331, A>T on the plus strand (T>A on the coding strand, the complement: BRIP1 is on the minus strand). VCF-style: chr17-61683331-A-T. GRCh37 (hg19) VCF-style: chr17-59760692-A-T.
Other names: short protein forms S1239T.
Identifiers: ClinVar variation 4867943 (VCV004867943.1).

ClinVar aggregate classification (germline): Uncertain significance (1 of 4 stars; one submission).

Conditions:
Hereditary cancer-predisposing syndrome. Also called: Neoplastic Syndromes, Hereditary; Tumor predisposition; Hereditary Cancer Syndrome; Hereditary neoplastic syndrome. Identifiers: Orphanet 140162, MedGen C0027672, MeSH D009386, MONDO:0015356.

Submission:

Ambry Genetics
Classification: Uncertain significance for Hereditary cancer-predisposing syndrome. Last evaluated: 2026-06-11. Review status: criteria provided, single submitter. Criteria: Ambry Variant Classification Scheme 2023. Collection method: clinical testing. Allele origin: germline.
Comment: The p.S1239T variant (also known as c.3715T>A), located in coding exon 19 of the BRIP1 gene, results from a T to A substitution at nucleotide position 3715. The serine at codon 1239 is replaced by threonine, an amino acid with similar properties. This amino acid position is conserved. In addition, this alteration is predicted to be tolerated by in silico analysis. Based on the available evidence, the clinical significance of this variant remains unclear.